The following is an entry in ClinVar:

ClinVar aggregate classification (germline): Uncertain significance (1 of 4 stars; one submission).

Conditions:
Joubert syndrome 23 (JBTS23). Identifiers: Orphanet 475, MedGen C4084822, MONDO:0014664, OMIM 616490.
Short-rib thoracic dysplasia 14 with polydactyly (SRTD14). Identifiers: Orphanet 397715, MedGen C4225286, MONDO:0014688, OMIM 616546.

Allele frequency attached by ClinVar (database versions not stated): gnomAD exomes below 0.00001; ExAC 0.00001.
gnomAD v4.1: 3 of 1,598,538 alleles (0.00019%); highest among the groups gnomAD compares: Non-Finnish European, 0.00026%; no homozygotes.

Submission:

Labcorp Genetics (formerly Invitae), Labcorp
Classification: Uncertain significance for Joubert syndrome 23; Short-rib thoracic dysplasia 14 with polydactyly. Last evaluated: 2021-03-29. Review status: criteria provided, single submitter. Criteria: Invitae Variant Classification Sherloc (09022015). Collection method: clinical testing. Allele origin: germline.
Comment: In summary, the available evidence is currently insufficient to determine the role of this variant in disease. Therefore, it has been classified as a Variant of Uncertain Significance. Algorithms developed to predict the effect of missense changes on protein structure and function are either unavailable or do not agree on the potential impact of this missense change (SIFT: "Tolerated"; PolyPhen-2: "Possibly Damaging"; Align-GVGD: "Class C0"). This variant has not been reported in the literature in individuals with KIAA0586-related conditions. This variant is present in population databases (rs769369839, ExAC 0.002%). This sequence change replaces lysine with glutamic acid at codon 331 of the KIAA0586 protein (p.Lys331Glu). The lysine residue is moderately conserved and there is a small physicochemical difference between lysine and glutamic acid.

NM_001329943.3(KIAA0586):c.832A>G (p.Lys278Glu)

Gene: KIAA0586 (KIAA0586; plus strand). Cytogenetic location: 14q23.1.
Variant type: single nucleotide variant.
Coding change: c.832A>G on transcript NM_001329943.3 (MANE Select); coding-DNA position 832, A replaced by G.
Protein change: p.Lys278Glu; replaces lysine 278 with glutamic acid.
Molecular consequence: missense variant.
Genome position (GRCh38, 1-based): chr14:58,448,364, A>G. VCF-style: chr14-58448364-A-G. GRCh37 (hg19) VCF-style: chr14-58915082-A-G.
Other names: c.832A>G, p.Lys278Glu (NM_001329944.2, NM_001329946.2, NM_001329947.2 and 1 more transcripts); c.577A>G, p.Lys193Glu (NM_001329945.2, NM_001364700.1, NM_001364701.2 and 1 more transcripts); c.991A>G, p.Lys331Glu (NM_001244189.2); c.787A>G, p.Lys263Glu (NM_001244190.2); c.700A>G, p.Lys234Glu (NM_001244192.2); c.412A>G, p.Lys138Glu (NM_001244193.2); short protein forms K193E, K234E, K331E, K138E, K263E, K278E.
Identifiers: ClinVar variation 1521225 (VCV001521225.8), dbSNP rs769369839, ClinGen allele CA7205494.
Genomic context (GRCh38, chr14:58,448,364, plus strand): 5'-TATTTGAAAATAATAAAATAATCTTATTTCTTCTAGACTCATTTTATTAGTGCTGCACTC[A>G]AGACTAGTAGTTTTCAGCCTGTTAGTATGCCCTCCTCCAGAGCAGTGGAAAAGTATTCCG-3'
Protein context (NP_001316872.1, residues 268-288): IQTHFISAAL[Lys278Glu]TSSFQPVSMP